The following is an entry in ClinVar:

ClinVar aggregate classification (germline): Uncertain significance (1 of 4 stars; one submission).

Submission:

Labcorp Genetics (formerly Invitae), Labcorp
Classification: Uncertain significance. Last evaluated: 2022-02-19. Review status: criteria provided, single submitter. Criteria: Invitae Variant Classification Sherloc (09022015). Collection method: clinical testing. Allele origin: germline.
Comment: In summary, the available evidence is currently insufficient to determine the role of this variant in disease. Therefore, it has been classified as a Variant of Uncertain Significance. Algorithms developed to predict the effect of missense changes on protein structure and function output the following: SIFT: "Tolerated"; PolyPhen-2: "Benign"; Align-GVGD: "Class C0". The leucine amino acid residue is found in multiple mammalian species, which suggests that this missense change does not adversely affect protein function. This variant has not been reported in the literature in individuals affected with CEP89-related conditions. This variant is not present in population databases (gnomAD no frequency). This sequence change replaces proline, which is neutral and non-polar, with leucine, which is neutral and non-polar, at codon 190 of the CEP89 protein (p.Pro190Leu).

NM_032816.5(CEP89):c.569C>T (p.Pro190Leu)

Gene: CEP89 (centrosomal protein 89; minus strand). Cytogenetic location: 19q13.11.
Variant type: single nucleotide variant.
Coding change: c.569C>T on transcript NM_032816.5 (MANE Select); coding-DNA position 569, C replaced by T.
Protein change: p.Pro190Leu; replaces proline 190 with leucine.
Molecular consequence: missense variant.
Genome position (GRCh38, 1-based): chr19:32,948,292, G>A on the plus strand (C>T on the coding strand, the complement: CEP89 is on the minus strand). VCF-style: chr19-32948292-G-A. GRCh37 (hg19) VCF-style: chr19-33439198-G-A.
Other names: short protein forms P190L.
Identifiers: ClinVar variation 2099484 (VCV002099484.4), dbSNP rs2513744029, ClinGen allele CA405208603.